The following is an entry in ClinVar:

ClinVar aggregate classification (germline): Uncertain significance. Review status: criteria provided, multiple submitters, no conflicts (2 of 4 stars). 3 submissions from 3 submitters: Uncertain significance (3). Last evaluated 2025-04-18.

Conditions:
Inborn genetic diseases. Identifiers: MedGen C0950123, MeSH D030342.
Fanconi anemia (FA). Also called: Fanconi's anemia. Identifiers: Orphanet 84, MedGen C0015625, MeSH D005199, MONDO:0019391.
Fanconi anemia complementation group A (FANCA). Also called: FANCA-Related Fanconi Anemia; Fanconi anemia, group A. Identifiers: Orphanet 84, MedGen C3469521, MONDO:0009215, OMIM 227650.

gnomAD v4.1: 4 of 1,614,162 alleles (0.00025%); highest among the groups gnomAD compares: African/African-American, 0.0053%; no homozygotes.

Submissions (3):

Labcorp Genetics (formerly Invitae), Labcorp
Classification: Uncertain significance for Fanconi anemia. Last evaluated: 2025-04-18. Review status: criteria provided, single submitter. Criteria: Invitae Variant Classification Sherloc (09022015). Collection method: clinical testing. Allele origin: germline.
Comment: This sequence change replaces alanine, which is neutral and non-polar, with glycine, which is neutral and non-polar, at codon 1370 of the FANCA protein (p.Ala1370Gly). This variant is present in population databases (no rsID available, gnomAD 0.007%). This variant has not been reported in the literature in individuals affected with FANCA-related conditions. ClinVar contains an entry for this variant (Variation ID: 3581441). Invitae Evidence Modeling of protein sequence and biophysical properties (such as structural, functional, and spatial information, amino acid conservation, physicochemical variation, residue mobility, and thermodynamic stability) indicates that this missense variant is not expected to disrupt FANCA protein function with a negative predictive value of 95%. In summary, the available evidence is currently insufficient to determine the role of this variant in disease. Therefore, it has been classified as a Variant of Uncertain Significance.

Ambry Genetics
Classification: Uncertain significance for Inborn genetic diseases. Last evaluated: 2025-01-18. Review status: criteria provided, single submitter. Criteria: Ambry Variant Classification Scheme 2023. Collection method: clinical testing. Allele origin: germline.
Comment: The p.A1370G variant (also known as c.4109C>G), located in coding exon 41 of the FANCA gene, results from a C to G substitution at nucleotide position 4109. The alanine at codon 1370 is replaced by glycine, an amino acid with similar properties. This amino acid position is conserved. In addition, this alteration is predicted to be tolerated by in silico analysis. Based on the available evidence, the clinical significance of this variant remains unclear.

Fulgent Genetics
Classification: Uncertain significance for Fanconi anemia complementation group A. Last evaluated: 2024-05-21. Review status: criteria provided, single submitter. Criteria: ACMG Guidelines, 2015. Collection method: clinical testing. Allele origin: germline.

NM_000135.4(FANCA):c.4109C>G (p.Ala1370Gly)

Genes: FANCA (FA complementation group A; minus strand), ZNF276 (zinc finger protein 276; plus strand). Cytogenetic location: 16q24.3.
Variant type: single nucleotide variant.
Coding change: c.4109C>G on transcript NM_000135.4 (MANE Select); coding-DNA position 4109, C replaced by G.
Protein change: p.Ala1370Gly; replaces alanine 1370 with glycine.
Molecular consequence: missense variant. On other transcripts: 3 prime UTR variant (2), non-coding transcript variant (4).
Genome position (GRCh38, 1-based): chr16:89,739,191, G>C on the plus strand (C>G on the coding strand, the complement: FANCA is on the minus strand). VCF-style: chr16-89739191-G-C. GRCh37 (hg19) VCF-style: chr16-89805599-G-C.
Other names: c.4109C>G, p.Ala1370Gly (NM_001286167.3); c.*945G>C (NM_001113525.2, NM_152287.4); short protein forms A1370G.
Identifiers: ClinVar variation 3581441 (VCV003581441.3).